The following is an entry in ClinVar:

ClinVar aggregate classification (germline): Benign/Likely benign. Review status: criteria provided, multiple submitters, no conflicts (2 of 4 stars). 3 submissions from 3 submitters: Benign (1); Likely benign (2). Last evaluated 2025-01-07.

Conditions:
Hereditary nonpolyposis colorectal neoplasms. Identifiers: MedGen C0009405, MeSH D003123.
Hereditary cancer-predisposing syndrome. Also called: Neoplastic Syndromes, Hereditary; Tumor predisposition; Hereditary Cancer Syndrome; Hereditary neoplastic syndrome. Identifiers: Orphanet 140162, MedGen C0027672, MeSH D009386, MONDO:0015356.
Lynch syndrome 5 (LYNCH5). Also called: Colorectal cancer, hereditary nonpolyposis, type 5; Hereditary non-polyposis colorectal cancer, type 5. Identifiers: Orphanet 144, MedGen C1833477, MONDO:0013710, OMIM 614350. Disease mechanism: loss of function.

Submissions (3):

Myriad Genetics, Inc.
Classification: Benign for Lynch syndrome 5. Last evaluated: 2025-01-07. Review status: criteria provided, single submitter. Criteria: Myriad Autosomal Dominant, Autosomal Recessive and X-Linked Classification Criteria (2023). Collection method: clinical testing. Allele origin: unknown.
Comment: This variant is considered benign. This variant is a silent/synonymous amino acid change and it is not expected to impact splicing.

Labcorp Genetics (formerly Invitae), Labcorp
Classification: Likely benign for Hereditary nonpolyposis colorectal neoplasms. Last evaluated: 2023-01-14. Review status: criteria provided, single submitter. Criteria: Invitae Variant Classification Sherloc (09022015). Collection method: clinical testing. Allele origin: germline.

Ambry Genetics
Classification: Likely benign for Hereditary cancer-predisposing syndrome. Last evaluated: 2015-09-02. Review status: criteria provided, single submitter. Criteria: Ambry Variant Classification Scheme 2023. Collection method: clinical testing. Allele origin: germline.

NM_000179.3(MSH6):c.3699A>G (p.Lys1233=)

Gene: MSH6 (mutS homolog 6; plus strand). Cytogenetic location: 2p16.3.
Variant type: single nucleotide variant.
Coding change: c.3699A>G on transcript NM_000179.3 (MANE Select); coding-DNA position 3699, A replaced by G.
Protein change: p.Lys1233=; no amino-acid change (lysine 1233 retained).
Molecular consequence: synonymous variant.
Genome position (GRCh38, 1-based): chr2:47,806,256, A>G. VCF-style: chr2-47806256-A-G. GRCh37 (hg19) VCF-style: chr2-48033395-A-G.
Other names: c.3309A>G, p.Lys1103= (NM_001281492.2); c.2793A>G, p.Lys931= (NM_001281493.2, NM_001281494.2).
Identifiers: ClinVar variation 233675 (VCV000233675.9), dbSNP rs876660565, ClinGen allele CA10578155.
Genomic context (GRCh38, chr2:47,806,256, plus strand): 5'-TTTAACAGGAAGAGGTACTGCAACATTTGATGGGACGGCAATAGCAAATGCAGTTGTTAA[A>G]GAACTTGCTGAGACTATAAAATGTCGTACATTATTTTCAACTCACTACCATTCATTAGTA-3'
Protein context (NP_000170.1, residues 1223-1243): DGTAIANAVV[Lys1233=]ELAETIKCRT